The following is an entry in ClinVar:

ClinVar aggregate classification (germline): Uncertain significance (1 of 4 stars; one submission).

Submission:

GeneDx
Classification: Uncertain significance. Last evaluated: 2024-01-19. Review status: criteria provided, single submitter. Criteria: GeneDx Variant Classification Process June 2021. Collection method: clinical testing. Allele origin: germline. Affected: yes.
Comment: Has not been previously published as pathogenic or benign to our knowledge; Not observed at significant frequency in large population cohorts (gnomAD); In silico analysis supports that this missense variant does not alter protein structure/function

NM_003242.6(TGFBR2):c.576C>G (p.Asn192Lys)

Gene: TGFBR2 (transforming growth factor beta receptor 2; plus strand). Cytogenetic location: 3p24.1.
Variant type: single nucleotide variant.
Coding change: c.576C>G on transcript NM_003242.6 (MANE Select); coding-DNA position 576, C replaced by G.
Protein change: p.Asn192Lys; replaces asparagine 192 with lysine.
Molecular consequence: missense variant. On other transcripts: intron variant (1).
Genome position (GRCh38, 1-based): chr3:30,671,759, C>G. VCF-style: chr3-30671759-C-G. GRCh37 (hg19) VCF-style: chr3-30713251-C-G.
Other names: c.651C>G, p.Asn217Lys (NM_001024847.3); c.759C>G, p.Asn253Lys (NM_001407126.1); c.684C>G, p.Asn228Lys (NM_001407127.1); c.603C>G, p.Asn201Lys (NM_001407128.1); c.579C>G, p.Asn193Lys (NM_001407129.1); c.576C>G, p.Asn192Lys (NM_001407130.1); c.471C>G, p.Asn157Lys (NM_001407132.1, NM_001407133.1, NM_001407134.1 and 2 more transcripts); c.291C>G, p.Asn97Lys (NM_001407137.1); and 2 more; short protein forms N157K, N192K, N193K, N201K, N217K, N228K, N253K, N72K.
Identifiers: ClinVar variation 3340347 (VCV003340347.1).
Genomic context (GRCh38, chr3:30,671,759, plus strand): 5'-CCTGCCACCACTGGGAGTTGCCATATCTGTCATCATCATCTTCTACTGCTACCGCGTTAA[C>G]CGGCAGCAGAAGCTGAGTTCAACCTGGGAAACCGGCAAGACGCGGAAGCTCATGGAGTTC-3'
Protein context (NP_003233.4, residues 182-202): VIIIFYCYRV[Asn192Lys]RQQKLSSTWE